The following is an entry in ClinVar:

NM_001371928.1(AHDC1):c.811C>T (p.Pro271Ser)

Gene: AHDC1 (AT-hook DNA binding motif containing 1; minus strand). Cytogenetic location: 1p36.11.
Variant type: single nucleotide variant.
Coding change: c.811C>T on transcript NM_001371928.1 (MANE Select); coding-DNA position 811, C replaced by T.
Protein change: p.Pro271Ser; replaces proline 271 with serine.
Molecular consequence: missense variant.
Genome position (GRCh38, 1-based): chr1:27,551,305, G>A on the plus strand (C>T on the coding strand, the complement: AHDC1 is on the minus strand). VCF-style: chr1-27551305-G-A. GRCh37 (hg19) VCF-style: chr1-27877816-G-A.
Other names: c.811C>T, p.Pro271Ser (NM_001029882.3); c.811C>T (NM_001029882.2); short protein forms P271S.
Identifiers: ClinVar variation 2638575 (VCV002638575.25), dbSNP rs200660997, ClinGen allele CA716077.

ClinVar aggregate classification (germline): Conflicting classifications of pathogenicity. Review status: criteria provided, conflicting classifications (1 of 4 stars). 3 submissions from 3 submitters: Uncertain significance (2); Likely benign (1). Last evaluated 2025-12-05.

Conditions:
Inborn genetic diseases. Identifiers: MedGen C0950123, MeSH D030342.

gnomAD v4.1: 4 of 1,611,490 alleles (0.00025%); highest among the groups gnomAD compares: Non-Finnish European, 0.00034%; no homozygotes.

Submissions (3):

Labcorp Genetics (formerly Invitae), Labcorp
Classification: Uncertain significance. Last evaluated: 2025-12-05. Review status: criteria provided, single submitter. Criteria: Invitae Variant Classification Sherloc (09022015). Collection method: clinical testing. Allele origin: germline.
Comment: This sequence change replaces proline, which is neutral and non-polar, with serine, which is neutral and polar, at codon 271 of the AHDC1 protein (p.Pro271Ser). The frequency data for this variant in the population databases is considered unreliable, as metrics indicate poor data quality at this position in the gnomAD database. This variant has not been reported in the literature in individuals affected with AHDC1-related conditions. ClinVar contains an entry for this variant (Variation ID: 2638575). An algorithm developed to predict the effect of missense changes on protein structure and function (PolyPhen-2) suggests that this variant is likely to be disruptive. In summary, the available evidence is currently insufficient to determine the role of this variant in disease. Therefore, it has been classified as a Variant of Uncertain Significance.

Ambry Genetics
Classification: Uncertain significance for Inborn genetic diseases. Last evaluated: 2025-09-26. Review status: criteria provided, single submitter. Criteria: Ambry Variant Classification Scheme 2023. Collection method: clinical testing. Allele origin: germline.

CeGaT Center for Human Genetics Tuebingen
Classification: Likely benign. Last evaluated: 2023-08-01. Review status: criteria provided, single submitter. Criteria: CeGaT Center For Human Genetics Tuebingen Variant Classification Criteria Version 2. Collection method: clinical testing. Allele origin: germline. Affected: yes. Observed: 1 variant allele.
Comment: AHDC1: BP4